The following is an entry in ClinVar:

ClinVar aggregate classification (germline): Benign (1 of 4 stars; one submission).

Conditions:
Telangiectasia, hereditary hemorrhagic, type 2 (HHT2). Also called: ACVRL1-Related Hereditary Hemorrhagic Telangiectasia; Telangiectasia, hereditary hemorrhagic, type II. Identifiers: Orphanet 774, MedGen C1838163, MONDO:0010880, OMIM 600376. Disease mechanism: loss of function.

Allele frequency attached by ClinVar (database versions not stated): gnomAD 0.01993 and 0.02136; TOPMed 0.02128; 1000 Genomes Project 0.02296; 1000 Genomes Project 30x 0.02608.

Submission:

Illumina Laboratory Services, Illumina
Classification: Benign for Telangiectasia, hereditary hemorrhagic, type 2. Last evaluated: 2018-01-12. Review status: criteria provided, single submitter. Criteria: ICSL Variant Classification Criteria 13 December 2019. Collection method: clinical testing. Allele origin: germline.
Comment: This variant was observed in the ICSL laboratory as part of a predisposition screen in an ostensibly healthy population. It had not been previously curated by ICSL or reported in the Human Gene Mutation Database (HGMD: prior to June 1st, 2018), and was therefore a candidate for classification through an automated scoring system. Utilizing variant allele frequency, disease prevalence and penetrance estimates, and inheritance mode, an automated score was calculated to assess if this variant is too frequent to cause the disease. Based on the score and internal cut-off values, a variant classified as benign is not then subjected to further curation. The score for this variant resulted in a classification of benign for this disease.

NM_000020.3(ACVRL1):c.*862G>A

Gene: ACVRL1 (activin A receptor like type 1; plus strand). Cytogenetic location: 12q13.13.
Variant type: single nucleotide variant.
Coding change: c.*862G>A on transcript NM_000020.3 (MANE Select); 862 bases downstream of the stop codon, G replaced by A.
Molecular consequence: 3 prime UTR variant.
Genome position (GRCh38, 1-based): chr12:51,921,755, G>A. VCF-style: chr12-51921755-G-A. GRCh37 (hg19) VCF-style: chr12-52315539-G-A.
Other names: c.*862G>A (NM_001077401.2).
Identifiers: ClinVar variation 309456 (VCV000309456.5), dbSNP rs116256992, ClinGen allele CA10633141.